The following is an entry in ClinVar:

NM_004329.3(BMPR1A):c.-14A>G

Gene: BMPR1A (bone morphogenetic protein receptor type 1A; plus strand). Cytogenetic location: 10q23.2.
Variant type: single nucleotide variant.
Coding change: c.-14A>G on transcript NM_004329.3 (MANE Select); 14 bases upstream of the start codon, A replaced by G.
Molecular consequence: 5 prime UTR variant.
Genome position (GRCh38, 1-based): chr10:86,876,005, A>G. VCF-style: chr10-86876005-A-G. GRCh37 (hg19) VCF-style: chr10-88635762-A-G.
Identifiers: ClinVar variation 506301 (VCV000506301.8), dbSNP rs1554886795, ClinGen allele CA658797452.

ClinVar aggregate classification (germline): Conflicting classifications of pathogenicity. Review status: criteria provided, conflicting classifications (1 of 4 stars). 3 submissions from 3 submitters: Uncertain significance (2); Likely benign (1). Last evaluated 2025-03-24.

Conditions:
Hereditary cancer-predisposing syndrome. Also called: Hereditary Cancer Syndrome; Tumor predisposition; Neoplastic Syndromes, Hereditary; Hereditary neoplastic syndrome. Identifiers: Orphanet 140162, MedGen C0027672, MeSH D009386, MONDO:0015356.
Juvenile polyposis syndrome (JPS). Identifiers: Orphanet 2929, MedGen C0345893, MONDO:0017380, OMIM 174900.

Allele frequency attached by ClinVar (database versions not stated): gnomAD exomes below 0.00001; gnomAD 0.00001; TOPMed 0.00001.
gnomAD v4.1: 5 of 1,594,850 alleles (0.00031%); highest among the groups gnomAD compares: African/African-American, 0.0027%; no homozygotes.

Submissions (3):

Color Diagnostics, LLC DBA Color Health
Classification: Uncertain significance for Hereditary cancer-predisposing syndrome. Last evaluated: 2025-03-24. Review status: criteria provided, single submitter. Criteria: ACMG Guidelines, 2015. Collection method: clinical testing. Allele origin: germline.
Comment: This variant causes an A>G nucleotide substitution at the -14 position in the 5' untranslated region in the BMPR1A gene. This variant is located distal to the Kozak consensus sequence (PMID: 3313277) and the variant nucleotide is observed in multiple reference species at this position (PMID: 12519945), which suggest that this change may be functionally tolerated. To our knowledge, gene expression studies have not been performed for this variant. This variant has not been reported in individuals affected with BMPR1A-related disorders in the literature. This variant has not been identified in the general population by the Genome Aggregation Database (gnomAD). The available evidence is insufficient to determine the role of this variant in disease conclusively. Therefore, this variant is classified as a Variant of Uncertain Significance.

All of Us Research Program, National Institutes of Health
Classification: Uncertain significance for Juvenile polyposis syndrome. Last evaluated: 2023-06-26. Review status: criteria provided, single submitter. Criteria: ACMG Guidelines, 2015. Collection method: clinical testing. Allele origin: germline. Inheritance: Autosomal dominant inheritance. Observed: 1 variant allele, 1 heterozygote.
Comment: This variant causes an A>G nucleotide substitution at the -14 position in the 5' untranslated region in the BMPR1A gene. This variant is located distal to the Kozak consensus sequence (PMID: 3313277) and the variant nucleotide is observed in multiple reference species at this position (PMID: 12519945), which suggest that this change may be functionally tolerated. Splice site prediction tools suggest that this variant may not impact RNA splicing. To our knowledge, functional studies have not been performed for this variant. This variant has not been reported in individuals affected with BMPR1A-related disorders in the literature. This variant has not been identified in the general population by the Genome Aggregation Database (gnomAD). The available evidence is insufficient to determine the role of this variant in disease conclusively. Therefore, this variant is classified as a Variant of Uncertain Significance.

This study involves interpretation of variants in research participants for the purpose of population health screening. Participant phenotype was not available at the time of variant classification. Additional details can be found in publication PMID: 35346344, PMCID: PMC8962531

GeneDx
Classification: Likely benign. Last evaluated: 2017-11-06. Review status: criteria provided, single submitter. Criteria: GeneDx Variant Classification (06012015). Collection method: clinical testing. Allele origin: germline. Affected: yes.
Comment: This variant is considered likely benign or benign based on one or more of the following criteria: it is a conservative change, it occurs at a poorly conserved position in the protein, it is predicted to be benign by multiple in silico algorithms, and/or has population frequency not consistent with disease.

Literature cited by the submitters: PubMed 3313277 (cited by Color Diagnostics, LLC DBA Color Health and All of Us Research Program, National Institutes of Health); PubMed 12519945 (cited by Color Diagnostics, LLC DBA Color Health and All of Us Research Program, National Institutes of Health).